The following is an entry in ClinVar:

NM_012233.3(RAB3GAP1):c.284-235A>G

Gene: RAB3GAP1 (RAB3 GTPase activating protein catalytic subunit 1; plus strand). Cytogenetic location: 2q21.3.
Variant type: single nucleotide variant.
Coding change: c.284-235A>G on transcript NM_012233.3 (MANE Select); 235 bases into the intron before coding-DNA position 284, A replaced by G.
Molecular consequence: intron variant.
Genome position (GRCh38, 1-based): chr2:135,093,380, A>G. VCF-style: chr2-135093380-A-G. GRCh37 (hg19) VCF-style: chr2-135850950-A-G.
Other names: c.284-235A>G (NM_001172435.2).
Identifiers: ClinVar variation 675579 (VCV000675579.1), dbSNP rs72978333, ClinGen allele CA56553196.

ClinVar aggregate classification (germline): Benign (1 of 4 stars; one submission).

Allele frequency attached by ClinVar (database versions not stated): gnomAD 0.04588 and 0.04907; TOPMed 0.05143; 1000 Genomes Project 0.05252; 1000 Genomes Project 30x 0.05668.
gnomAD v4.1: 6,907 of 152,238 alleles (4.5%); highest among the groups gnomAD compares: African/African-American, 16%; 536 homozygotes.

Submission:

GeneDx
Classification: Benign. Last evaluated: 2018-06-14. Review status: criteria provided, single submitter. Criteria: GeneDx Variant Classification (06012015). Collection method: clinical testing. Allele origin: germline. Affected: yes.
Comment: This variant is considered likely benign or benign based on one or more of the following criteria: it is a conservative change, it occurs at a poorly conserved position in the protein, it is predicted to be benign by multiple in silico algorithms, and/or has population frequency not consistent with disease.